The following is an entry in ClinVar:

NM_007255.3(B4GALT7):c.890G>A (p.Arg297His)

Gene: B4GALT7 (beta-1,4-galactosyltransferase 7; plus strand). Cytogenetic location: 5q35.3.
Variant type: single nucleotide variant.
Coding change: c.890G>A on transcript NM_007255.3 (MANE Select); coding-DNA position 890, G replaced by A.
Protein change: p.Arg297His; replaces arginine 297 with histidine.
Molecular consequence: missense variant.
Genome position (GRCh38, 1-based): chr5:177,609,601, G>A. VCF-style: chr5-177609601-G-A. GRCh37 (hg19) VCF-style: chr5-177036602-G-A.
Other names: p.Arg297His; c.890G>A (NM_007255.2); short protein forms R297H.
Identifiers: ClinVar variation 1404624 (VCV001404624.7), dbSNP rs374994284, ClinGen allele CA3586732.

ClinVar aggregate classification (germline): Uncertain significance. Review status: criteria provided, multiple submitters, no conflicts (2 of 4 stars). 3 submissions from 3 submitters: Uncertain significance (2). 1 of the submissions does not count toward it. Last evaluated 2025-09-28.

Conditions:
B4GALT7-related disorder. Also called: B4GALT7-related condition.

Allele frequency attached by ClinVar (database versions not stated): ExAC 0.00002; ESP Exome Variant Server 0.00008; gnomAD 0.00005 and 0.00004; TOPMed 0.00005.
gnomAD v4.1: 78 of 1,613,824 alleles (0.0048%); highest among the groups gnomAD compares: Middle Eastern, 0.017%; no homozygotes.

Submissions (3):

Mayo Clinic Laboratories, Mayo Clinic
Classification: Uncertain significance. Last evaluated: 2025-09-28. Review status: criteria provided, single submitter. Criteria: ACMG Guidelines, 2015. Collection method: clinical testing. Allele origin: germline. Observed: 1 variant allele.
Comment: BP4

Labcorp Genetics (formerly Invitae), Labcorp
Classification: Uncertain significance for Ehlers-Danlos syndrome progeroid type. Last evaluated: 2024-01-29. Review status: criteria provided, single submitter. Criteria: Invitae Variant Classification Sherloc (09022015). Collection method: clinical testing. Allele origin: germline.
Comment: This sequence change replaces arginine, which is basic and polar, with histidine, which is basic and polar, at codon 297 of the B4GALT7 protein (p.Arg297His). This variant is present in population databases (rs374994284, gnomAD 0.006%). This variant has not been reported in the literature in individuals affected with B4GALT7-related conditions. ClinVar contains an entry for this variant (Variation ID: 1404624). Advanced modeling of protein sequence and biophysical properties (such as structural, functional, and spatial information, amino acid conservation, physicochemical variation, residue mobility, and thermodynamic stability) performed at Invitae indicates that this missense variant is not expected to disrupt B4GALT7 protein function with a negative predictive value of 80%. In summary, the available evidence is currently insufficient to determine the role of this variant in disease. Therefore, it has been classified as a Variant of Uncertain Significance.

PreventionGenetics, part of Exact Sciences
Classification: Uncertain significance for B4GALT7-related condition. Last evaluated: 2024-04-18. Review status: no assertion criteria provided. Collection method: clinical testing. Allele origin: germline. Not counted in ClinVar's aggregate classification.
Comment: The B4GALT7 c.890G>A variant is predicted to result in the amino acid substitution p.Arg297His. To our knowledge, this variant has not been reported in the literature. This variant is reported in 0.0047% of alleles in individuals of European (Non-Finnish) descent in gnomAD. At this time, the clinical significance of this variant is uncertain due to the absence of conclusive functional and genetic evidence.